The following is an entry in ClinVar:

ClinVar aggregate classification (germline): Likely pathogenic. Review status: criteria provided, multiple submitters, no conflicts (2 of 4 stars). 2 submissions from 2 submitters: Likely pathogenic (2). Last evaluated 2024-09-03.

Conditions:
Primary ciliary dyskinesia. Also called: Ciliary dyskinesia. Identifiers: Orphanet 244, MedGen C0008780, MONDO:0016575, HP:0012265.
Primary ciliary dyskinesia 3. Identifiers: Orphanet 244, MedGen C1837618, MONDO:0012085, OMIM 608644.

gnomAD v4.1: 1 of 1,613,998 alleles (0.000062%); highest among the groups gnomAD compares: Non-Finnish European, 0.000085%; no homozygotes.

Submissions (2):

Natera, Inc.
Classification: Likely pathogenic for Primary ciliary dyskinesia. Last evaluated: 2024-09-03. Review status: criteria provided, single submitter. Criteria: Natera Variant Classification Schema (03/2026). Collection method: clinical testing. Allele origin: germline.
Comment: The c.13141C>T variant in DNAH5 is a nonsense variant predicted to introduce a stop codon at amino acid 4381. This variant is expected to result in nonsense mediated decay, truncation, or a dysfunctional protein product. This variant is rare in the general population with a frequency below the threshold expected for the associated phenotype(s). Given the available evidence, this variant is classified as Likely Pathogenic.

Fulgent Genetics
Classification: Likely pathogenic for Primary ciliary dyskinesia 3. Last evaluated: 2024-02-22. Review status: criteria provided, single submitter. Criteria: ACMG Guidelines, 2015. Collection method: clinical testing. Allele origin: germline.

NM_001369.3(DNAH5):c.13141C>T (p.Gln4381Ter)

Gene: DNAH5 (dynein axonemal heavy chain 5; minus strand). Cytogenetic location: 5p15.2.
Variant type: single nucleotide variant.
Coding change: c.13141C>T on transcript NM_001369.3 (MANE Select); coding-DNA position 13141, C replaced by T.
Protein change: p.Gln4381Ter; replaces glutamine 4381 with a stop codon.
Molecular consequence: nonsense.
Genome position (GRCh38, 1-based): chr5:13,708,320, G>A on the plus strand (C>T on the coding strand, the complement: DNAH5 is on the minus strand). VCF-style: chr5-13708320-G-A. GRCh37 (hg19) VCF-style: chr5-13708429-G-A.
Other names: c.13141C>T (NM_001369.2); short protein forms Q4381*.
Identifiers: ClinVar variation 3591755 (VCV003591755.2).